The following is an entry in ClinVar:

ClinVar aggregate classification (germline): Uncertain significance (1 of 4 stars; one submission).

Conditions:
Low phospholipid associated cholelithiasis (GBD1). Also called: Gallbladder disease 1; Gallstone cholecystitis. Identifiers: Orphanet 69663, MedGen C2609268, MONDO:0010939, OMIM 600803.

Submission:

Genomenon, Inc
Classification: Uncertain significance for Low phospholipid associated cholelithiasis. Last evaluated: 2026-04-14. Review status: criteria provided, single submitter. Criteria: Genomenon Sequence Variant Interpretation Standards - Updated. Collection method: curation. Allele origin: germline. Affected: yes.
Comment: ABCB4 p.Phe165Ile (c.493T>A) is a missense variant that changes the amino acid at residue 165 from Phenylalanine to Isoleucine. This variant has been observed in at least one proband with an ABCB4-related disorder (PMID:12891548). At least one functional study has demonstrated a substantial alteration in protein function relative to the wild-type (PMID:24381502). It is absent or not present at a significant frequency in gnomAD. In silico models predict that this variant is possibly or probably damaging. In conclusion, we classify ABCB4 p.Phe165Ile (c.493T>A) as a variant of uncertain significance.

Literature cited by the submitters: PubMed 12891548; PubMed 24381502.

NM_000443.4(ABCB4):c.493T>A (p.Phe165Ile)

Gene: ABCB4 (ATP binding cassette subfamily B member 4; minus strand). Cytogenetic location: 7q21.12.
Variant type: single nucleotide variant.
Coding change: c.493T>A on transcript NM_000443.4 (MANE Select); coding-DNA position 493, T replaced by A.
Protein change: p.Phe165Ile; replaces phenylalanine 165 with isoleucine.
Molecular consequence: missense variant.
Genome position (GRCh38, 1-based): chr7:87,452,987, A>T on the plus strand (T>A on the coding strand, the complement: ABCB4 is on the minus strand). VCF-style: chr7-87452987-A-T. GRCh37 (hg19) VCF-style: chr7-87082303-A-T.
Other names: c.493T>A, p.Phe165Ile (NM_018849.3, NM_018850.3); short protein forms F165I.
Identifiers: ClinVar variation 4846442 (VCV004846442.1).